The following is an entry in ClinVar:

NM_198576.4(AGRN):c.543dup (p.Val182fs)

Gene: AGRN (agrin; plus strand). Cytogenetic location: 1p36.33.
Variant type: Duplication.
Coding change: c.543dup on transcript NM_198576.4 (MANE Select); coding-DNA position 543, one base duplicated (C; older notation c.543dupC).
Protein change: p.Val182fs; shifts the reading frame from valine 182.
Molecular consequence: frameshift variant.
Genome position (GRCh38, 1-based): chr1:1,040,696, C duplicated; the last of 2 consecutive C bases (chr1:1,040,695-1,040,696); duplicating either gives the same sequence. VCF-style (leftmost placement, unchanged base first): chr1-1040694-G-GC. GRCh37 (hg19) VCF-style: chr1-976074-G-GC.
Other names: c.543dup, p.Val182fs (NM_001305275.2); c.228dup, p.Val77fs (NM_001364727.2); short protein forms V182fs, V77fs.
Identifiers: ClinVar variation 1072755 (VCV001072755.7), dbSNP rs1425913203, ClinGen allele CA520659379.

ClinVar aggregate classification (germline): Pathogenic (1 of 4 stars; one submission).

Conditions:
Congenital myasthenic syndrome 8. Also called: MYASTHENIC SYNDROME, CONGENITAL, DUE TO AGRIN DEFICIENCY; Myasthenic syndrome, congenital, 8, with pre- and postsynaptic defects. Identifiers: Orphanet 590, MedGen C3808739, MONDO:0014052, OMIM 615120.

Submission:

Labcorp Genetics (formerly Invitae), Labcorp
Classification: Pathogenic for Congenital myasthenic syndrome 8. Last evaluated: 2022-07-19. Review status: criteria provided, single submitter. Criteria: Invitae Variant Classification Sherloc (09022015). Collection method: clinical testing. Allele origin: germline.
Comment: For these reasons, this variant has been classified as Pathogenic. ClinVar contains an entry for this variant (Variation ID: 1072755). This variant has not been reported in the literature in individuals affected with AGRN-related conditions. This variant is present in population databases (no rsID available, gnomAD 0.004%). This sequence change creates a premature translational stop signal (p.Val182Argfs*137) in the AGRN gene. It is expected to result in an absent or disrupted protein product. Loss-of-function variants in AGRN are known to be pathogenic (PMID: 24951643).

Literature cited by the submitters: PubMed 24951643.